The following is an entry in ClinVar:

ClinVar aggregate classification (germline): Conflicting classifications of pathogenicity. Review status: criteria provided, conflicting classifications (1 of 4 stars). 5 submissions from 5 submitters: Uncertain significance (2); Likely benign (1). 2 of the submissions do not count toward it. Last evaluated 2026-01-21.

Allele frequency attached by ClinVar (database versions not stated): ExAC 0.00010; gnomAD exomes 0.00012 and 0.00013; ESP Exome Variant Server 0.00015; 1000 Genomes Project 30x 0.00031; gnomAD 0.00031; 1000 Genomes Project 0.00040; TOPMed 0.00050.
gnomAD v4.1: 249 of 1,614,242 alleles (0.015%); highest among the groups gnomAD compares: Middle Eastern, 0.17%; 3 homozygotes.

Submissions (5):

Labcorp Genetics (formerly Invitae), Labcorp
Classification: Likely benign. Last evaluated: 2026-01-21. Review status: criteria provided, single submitter. Criteria: Invitae Variant Classification Sherloc (09022015). Collection method: clinical testing. Allele origin: germline.

Blueprint Genetics
Classification: Uncertain significance. Last evaluated: 2024-11-18. Review status: criteria provided, single submitter. Criteria: ACMG Guidelines, 2015. Collection method: clinical testing. Allele origin: germline.

GeneDx
Classification: Uncertain significance. Last evaluated: 2019-04-26. Review status: criteria provided, single submitter. Criteria: GeneDx Variant Classification Process June 2021. Collection method: clinical testing. Allele origin: germline. Affected: yes.
Comment: In silico analysis, which includes splice predictors and evolutionary conservation, supports a deleterious effect; Has not been previously published as pathogenic or benign to our knowledge

Clinical Genetics DNA and cytogenetics Diagnostics Lab, Erasmus MC, Erasmus Medical Center
Classification: Likely benign. Review status: no assertion criteria provided. Collection method: clinical testing. Allele origin: germline. Affected: yes. Study: VKGL Data-share Consensus. Not counted in ClinVar's aggregate classification.

Laboratory of Diagnostic Genome Analysis, Leiden University Medical Center (LUMC)
Classification: Likely benign. Review status: no assertion criteria provided. Collection method: clinical testing. Allele origin: germline. Affected: yes. Study: VKGL Data-share Consensus. Not counted in ClinVar's aggregate classification.

NM_001457.4(FLNB):c.4903G>A (p.Gly1635Ser)

Gene: FLNB (filamin B; plus strand). Cytogenetic location: 3p14.3.
Variant type: single nucleotide variant.
Coding change: c.4903G>A on transcript NM_001457.4 (MANE Select); coding-DNA position 4903, G replaced by A.
Protein change: p.Gly1635Ser; replaces glycine 1635 with serine.
Molecular consequence: missense variant.
Genome position (GRCh38, 1-based): chr3:58,138,323, G>A. VCF-style: chr3-58138323-G-A. GRCh37 (hg19) VCF-style: chr3-58124050-G-A.
Other names: c.4996G>A, p.Gly1666Ser (NM_001164317.2); c.4903G>A, p.Gly1635Ser (NM_001164318.2, NM_001164319.2); short protein forms G1635S, G1666S.
Identifiers: ClinVar variation 1205915 (VCV001205915.13), dbSNP rs139046903, ClinGen allele CA2468908.